The following is an entry in ClinVar:

NM_005221.6(DLX5):c.540+5A>G

Gene: DLX5 (distal-less homeobox 5; minus strand). Cytogenetic location: 7q21.3.
Variant type: single nucleotide variant.
Coding change: c.540+5A>G on transcript NM_005221.6 (MANE Select); 5 bases into the intron after coding-DNA position 540, A replaced by G.
Molecular consequence: intron variant.
Genome position (GRCh38, 1-based): chr7:97,022,180, T>C on the plus strand (A>G on the coding strand, the complement: DLX5 is on the minus strand). VCF-style: chr7-97022180-T-C. GRCh37 (hg19) VCF-style: chr7-96651492-T-C.
Identifiers: ClinVar variation 3606635 (VCV003606635.3).

ClinVar aggregate classification (germline): Conflicting classifications of pathogenicity. Review status: criteria provided, conflicting classifications (1 of 4 stars). 2 submissions from 2 submitters: Uncertain significance (1); Likely benign (1). Last evaluated 2024-11-04.

Submissions (2):

Labcorp Genetics (formerly Invitae), Labcorp
Classification: Uncertain significance. Last evaluated: 2024-11-04. Review status: criteria provided, single submitter. Criteria: Invitae Variant Classification Sherloc (09022015). Collection method: clinical testing. Allele origin: germline.
Comment: This sequence change falls in intron 2 of the DLX5 gene. It does not directly change the encoded amino acid sequence of the DLX5 protein. It affects a nucleotide within the consensus splice site. This variant is present in population databases (rs754218066, gnomAD 0.003%). This variant has not been reported in the literature in individuals affected with DLX5-related conditions. Variants that disrupt the consensus splice site are a relatively common cause of aberrant splicing (PMID: 17576681, 9536098). Algorithms developed to predict the effect of sequence changes on RNA splicing suggest that this variant is not likely to affect RNA splicing. In summary, the available evidence is currently insufficient to determine the role of this variant in disease. Therefore, it has been classified as a Variant of Uncertain Significance.

Blueprint Genetics
Classification: Likely benign. Last evaluated: 2024-06-03. Review status: criteria provided, single submitter. Criteria: ACMG Guidelines, 2015. Collection method: clinical testing. Allele origin: germline.

Literature cited by the submitters: PubMed 17576681 (cited by Labcorp Genetics (formerly Invitae), Labcorp); PubMed 9536098 (cited by Labcorp Genetics (formerly Invitae), Labcorp).